The following is an entry in ClinVar:

ClinVar aggregate classification (germline): Uncertain significance (1 of 4 stars; one submission).

Allele frequency attached by ClinVar (database versions not stated): gnomAD exomes below 0.00001.
gnomAD v4.1: 1 of 1,607,604 alleles (0.000062%); highest among the groups gnomAD compares: Non-Finnish European, 0.000085%; no homozygotes.

Submission:

Labcorp Genetics (formerly Invitae), Labcorp
Classification: Uncertain significance. Last evaluated: 2022-06-08. Review status: criteria provided, single submitter. Criteria: Invitae Variant Classification Sherloc (09022015). Collection method: clinical testing. Allele origin: germline.
Comment: In summary, the available evidence is currently insufficient to determine the role of this variant in disease. Therefore, it has been classified as a Variant of Uncertain Significance. Algorithms developed to predict the effect of missense changes on protein structure and function are either unavailable or do not agree on the potential impact of this missense change (SIFT: "Tolerated"; PolyPhen-2: "Probably Damaging"; Align-GVGD: "Class C0"). This variant has not been reported in the literature in individuals affected with TMED7-related conditions. This variant is not present in population databases (gnomAD no frequency). This sequence change replaces asparagine, which is neutral and polar, with histidine, which is basic and polar, at codon 103 of the TMED7 protein (p.Asn103His).

NM_181836.6(TMED7):c.307A>C (p.Asn103His)

Genes: TMED7 (transmembrane p24 trafficking protein 7; minus strand), TMED7-TICAM2 (TMED7-TICAM2 readthrough; minus strand). Cytogenetic location: 5q22.3.
Variant type: single nucleotide variant.
Coding change: c.307A>C on transcript NM_181836.6 (MANE Select); coding-DNA position 307, A replaced by C.
Protein change: p.Asn103His; replaces asparagine 103 with histidine.
Molecular consequence: missense variant.
Genome position (GRCh38, 1-based): chr5:115,620,566, T>G on the plus strand (A>C on the coding strand, the complement: TMED7 is on the minus strand). VCF-style: chr5-115620566-T-G. GRCh37 (hg19) VCF-style: chr5-114956263-T-G.
Other names: c.307A>C, p.Asn103His (NM_001164468.4, NM_001164469.4); short protein forms N103H.
Identifiers: ClinVar variation 2120733 (VCV002120733.4), dbSNP rs2531893735, ClinGen allele CA360713816.